The following is an entry in ClinVar:

ClinVar aggregate classification (germline): Pathogenic (1 of 4 stars; one submission).

Conditions:
Glycogen storage disease, type V (GSD5). Also called: MCARDLE DISEASE; PYGM DEFICIENCY; McArdle type glycogen storage disease; MUSCLE GLYCOGEN PHOSPHORYLASE DEFICIENCY; MYOPHOSPHORYLASE DEFICIENCY. Identifiers: Orphanet 368, MedGen C0017924, MONDO:0009293, OMIM 232600.

Submission:

Labcorp Genetics (formerly Invitae), Labcorp
Classification: Pathogenic for Glycogen storage disease, type V. Last evaluated: 2023-10-17. Review status: criteria provided, single submitter. Criteria: Invitae Variant Classification Sherloc (09022015). Collection method: clinical testing. Allele origin: unknown.
Comment: This variant is a gross deletion of the genomic region encompassing exon(s) 2-11 of the PYGM gene. This deletion is out-of-frame, and is expected to create a premature termination codon and result in an absent or disrupted protein product. Loss-of-function variants in PYGM are known to be pathogenic (PMID: 8316268, 16786513). This variant has not been reported in the literature in individuals affected with PYGM-related conditions. For these reasons, this variant has been classified as Pathogenic.

Literature cited by the submitters: PubMed 8316268; PubMed 16786513.

NC_000011.9:g.(?_64520971)_(64526196_?)del

Gene: PYGM (glycogen phosphorylase, muscle associated; minus strand). Cytogenetic location: 11q13.1.
Variant type: Deletion.
Identifiers: ClinVar variation 3244536 (VCV003244536.1).